The following is an entry in ClinVar:

NM_001329943.3(KIAA0586):c.215C>A (p.Thr72Asn)

Gene: KIAA0586 (KIAA0586; plus strand). Cytogenetic location: 14q23.1.
Variant type: single nucleotide variant.
Coding change: c.215C>A on transcript NM_001329943.3 (MANE Select); coding-DNA position 215, C replaced by A.
Protein change: p.Thr72Asn; replaces threonine 72 with asparagine.
Molecular consequence: missense variant. On other transcripts: 5 prime UTR variant (5).
Genome position (GRCh38, 1-based): chr14:58,429,378, C>A. VCF-style: chr14-58429378-C-A. GRCh37 (hg19) VCF-style: chr14-58896096-C-A.
Other names: c.251C>A (NM_001244189.1); c.251C>A, p.Thr84Asn (NM_001244189.2); c.170C>A, p.Thr57Asn (NM_001244190.2); c.-41C>A (NM_001244191.2, NM_001244192.2, NM_001329945.2 and 2 more transcripts); c.215C>A, p.Thr72Asn (NM_001329944.2, NM_001329946.2, NM_001329947.2 and 1 more transcripts); short protein forms T72N, T84N, T57N.
Identifiers: ClinVar variation 2039222 (VCV002039222.3), dbSNP rs201393625, ClinGen allele CA7205303.

ClinVar aggregate classification (germline): Uncertain significance. Review status: criteria provided, multiple submitters, no conflicts (2 of 4 stars). 2 submissions from 2 submitters: Uncertain significance (2). Last evaluated 2025-06-26.

Conditions:
Short-rib thoracic dysplasia 14 with polydactyly (SRTD14). Identifiers: Orphanet 397715, MedGen C4225286, MONDO:0014688, OMIM 616546.
Joubert syndrome 23 (JBTS23). Identifiers: Orphanet 475, MedGen C4084822, MONDO:0014664, OMIM 616490.

gnomAD v4.1: 15 of 1,593,296 alleles (0.00094%); highest among the groups gnomAD compares: Admixed American, 0.0017%; no homozygotes.

Submissions (2):

GeneDx
Classification: Uncertain significance. Last evaluated: 2025-06-26. Review status: criteria provided, single submitter. Criteria: GeneDx Variant Classification Process June 2021. Collection method: clinical testing. Allele origin: germline. Affected: yes.
Comment: Not observed at significant frequency in large population cohorts (gnomAD); In silico analysis suggests that this missense variant does not alter protein structure/function; Has not been previously published as pathogenic or benign to our knowledge

Labcorp Genetics (formerly Invitae), Labcorp
Classification: Uncertain significance for Joubert syndrome 23; Short-rib thoracic dysplasia 14 with polydactyly. Last evaluated: 2022-05-06. Review status: criteria provided, single submitter. Criteria: Invitae Variant Classification Sherloc (09022015). Collection method: clinical testing. Allele origin: germline.
Comment: This sequence change replaces threonine, which is neutral and polar, with asparagine, which is neutral and polar, at codon 84 of the KIAA0586 protein (p.Thr84Asn). This variant is present in population databases (rs201393625, gnomAD 0.003%). In summary, the available evidence is currently insufficient to determine the role of this variant in disease. Therefore, it has been classified as a Variant of Uncertain Significance. Algorithms developed to predict the effect of missense changes on protein structure and function are either unavailable or do not agree on the potential impact of this missense change (SIFT: "Tolerated"; PolyPhen-2: "Possibly Damaging"; Align-GVGD: "Class C0"). This variant has not been reported in the literature in individuals affected with KIAA0586-related conditions.